The following is an entry in ClinVar:

NM_000550.3(TYRP1):c.1345A>G (p.Asn449Asp)

Genes: LURAP1L-AS1 (LURAP1L antisense RNA 1; minus strand), TYRP1 (tyrosinase related protein 1; plus strand). Cytogenetic location: 9p23.
Variant type: single nucleotide variant.
Coding change: c.1345A>G on transcript NM_000550.3 (MANE Select); coding-DNA position 1345, A replaced by G.
Protein change: p.Asn449Asp; replaces asparagine 449 with aspartic acid.
Molecular consequence: missense variant.
Genome position (GRCh38, 1-based): chr9:12,708,080, A>G. VCF-style: chr9-12708080-A-G. GRCh37 (hg19) VCF-style: chr9-12708080-A-G.
Other names: short protein forms N449D.
Identifiers: ClinVar variation 2012785 (VCV002012785.1), dbSNP rs1205119026, ClinGen allele CA372943950.
Genomic context (GRCh38, chr9:12,708,080, plus strand): 5'-AATGCCCCTATTGGACATAATAGACAATACAACATGGTGCCATTCTGGCCCCCAGTCACC[A>G]ACACAGAAATGTTTGTTACTGCTCCAGACAACCTGGGATACACTTATGAAATTCAATGGC-3'
Protein context (NP_000541.1, residues 439-459): NMVPFWPPVT[Asn449Asp]TEMFVTAPDN

ClinVar aggregate classification (germline): Uncertain significance (1 of 4 stars; one submission).

Allele frequency attached by ClinVar (database versions not stated): gnomAD exomes below 0.00001; TOPMed 0.00001.
gnomAD v4.1: 4 of 1,612,796 alleles (0.00025%); highest among the groups gnomAD compares: Non-Finnish European, 0.000085%; no homozygotes.

Submission:

Labcorp Genetics (formerly Invitae), Labcorp
Classification: Uncertain significance. Last evaluated: 2022-08-08. Review status: criteria provided, single submitter. Criteria: Invitae Variant Classification Sherloc (09022015). Collection method: clinical testing. Allele origin: germline.
Comment: This sequence change replaces asparagine, which is neutral and polar, with aspartic acid, which is acidic and polar, at codon 449 of the TYRP1 protein (p.Asn449Asp). This variant is not present in population databases (gnomAD no frequency). This variant has not been reported in the literature in individuals affected with TYRP1-related conditions. Algorithms developed to predict the effect of missense changes on protein structure and function are either unavailable or do not agree on the potential impact of this missense change (SIFT: "Deleterious"; PolyPhen-2: "Possibly Damaging"; Align-GVGD: "Class C0"). In summary, the available evidence is currently insufficient to determine the role of this variant in disease. Therefore, it has been classified as a Variant of Uncertain Significance.